The following is an entry in ClinVar:

ClinVar aggregate classification (germline): Uncertain significance (1 of 4 stars; one submission).

Submission:

Labcorp Genetics (formerly Invitae), Labcorp
Classification: Uncertain significance. Last evaluated: 2022-09-13. Review status: criteria provided, single submitter. Criteria: Invitae Variant Classification Sherloc (09022015). Collection method: clinical testing. Allele origin: germline.
Comment: In summary, the available evidence is currently insufficient to determine the role of this variant in disease. Therefore, it has been classified as a Variant of Uncertain Significance. Algorithms developed to predict the effect of missense changes on protein structure and function are either unavailable or do not agree on the potential impact of this missense change (SIFT: "Tolerated"; PolyPhen-2: "Possibly Damaging"; Align-GVGD: "Class C0"). This variant has not been reported in the literature in individuals affected with KIF22-related conditions. This variant is not present in population databases (gnomAD no frequency). This sequence change replaces glutamic acid, which is acidic and polar, with aspartic acid, which is acidic and polar, at codon 635 of the KIF22 protein (p.Glu635Asp).

NM_007317.3(KIF22):c.1905A>T (p.Glu635Asp)

Gene: KIF22 (kinesin family member 22; plus strand). Cytogenetic location: 16p11.2.
Variant type: single nucleotide variant.
Coding change: c.1905A>T on transcript NM_007317.3 (MANE Select); coding-DNA position 1905, A replaced by T.
Protein change: p.Glu635Asp; replaces glutamic acid 635 with aspartic acid.
Molecular consequence: missense variant.
Genome position (GRCh38, 1-based): chr16:29,805,129, A>T. VCF-style: chr16-29805129-A-T. GRCh37 (hg19) VCF-style: chr16-29816450-A-T.
Other names: c.1701A>T, p.Glu567Asp (NM_001256269.2, NM_001256270.1); short protein forms E567D, E635D.
Identifiers: ClinVar variation 1943066 (VCV001943066.5), dbSNP rs1195346180, ClinGen allele CA395463090.